The following is an entry in ClinVar:

ClinVar aggregate classification (germline): Uncertain significance (1 of 4 stars; one submission).

Submission:

GeneDx
Classification: Uncertain significance. Last evaluated: 2019-03-18. Review status: criteria provided, single submitter. Criteria: GeneDx Variant Classification Process June 2021. Collection method: clinical testing. Allele origin: germline. Affected: yes.
Comment: Not observed in large population cohorts (Lek et al., 2016); In silico analysis, which includes protein predictors and evolutionary conservation, supports a deleterious effect; Has not been previously published as pathogenic or benign to our knowledge

NM_003737.4(DCHS1):c.7124C>G (p.Ala2375Gly)

Gene: DCHS1 (dachsous cadherin-related 1; minus strand). Cytogenetic location: 11p15.4.
Variant type: single nucleotide variant.
Coding change: c.7124C>G on transcript NM_003737.4 (MANE Select); coding-DNA position 7124, C replaced by G.
Protein change: p.Ala2375Gly; replaces alanine 2375 with glycine.
Molecular consequence: missense variant.
Genome position (GRCh38, 1-based): chr11:6,625,220, G>C on the plus strand (C>G on the coding strand, the complement: DCHS1 is on the minus strand). VCF-style: chr11-6625220-G-C. GRCh37 (hg19) VCF-style: chr11-6646451-G-C.
Other names: short protein forms A2375G.
Identifiers: ClinVar variation 1306801 (VCV001306801.2), dbSNP rs1855774082, ClinGen allele CA379483754.
Genomic context (GRCh38, chr11:6,625,220, plus strand): 5'-CCAGGCCCAGGTGTAGGTGGATCCATGGGTGTCAATACCTGGTAGAGGCTCTGTGAGAAG[G>C]CAGGTGCATTGTCATTGACATCCTCCACAAGCACTGTGAGGTTGGCACGGCCCTCATGAG-3'
Protein context (NP_003728.1, residues 2365-2385): LVEDVNDNAP[Ala2375Gly]FSQSLYQVML